The following is an entry in ClinVar:

ClinVar aggregate classification (germline): Pathogenic (1 of 4 stars; one submission).

Submission:

Labcorp Genetics (formerly Invitae), Labcorp
Classification: Pathogenic. Last evaluated: 2025-02-17. Review status: criteria provided, single submitter. Criteria: Invitae Variant Classification Sherloc (09022015). Collection method: clinical testing. Allele origin: germline.
Comment: This sequence change creates a premature translational stop signal (p.Gln330Hisfs*7) in the RMND1 gene. It is expected to result in an absent or disrupted protein product. Loss-of-function variants in RMND1 are known to be pathogenic (PMID: 27412952). This variant is not present in population databases (gnomAD no frequency). This variant has not been reported in the literature in individuals affected with RMND1-related conditions. For these reasons, this variant has been classified as Pathogenic.

Literature cited by the submitters: PubMed 27412952.

NM_017909.4(RMND1):c.990del (p.Gln330fs)

Gene: RMND1 (required for meiotic nuclear division 1 homolog; minus strand). Cytogenetic location: 6q25.1.
Variant type: Deletion.
Coding change: c.990del on transcript NM_017909.4 (MANE Select); coding-DNA position 990, one base deleted (G; older notation c.990delG).
Protein change: p.Gln330fs; shifts the reading frame from glutamine 330.
Molecular consequence: frameshift variant.
Genome position (GRCh38, 1-based): chr6:151,422,553, C deleted on the plus strand (G on the coding strand, the reverse complement: RMND1 is on the minus strand). VCF-style (leftmost placement, unchanged base first): chr6-151422552-AC-A. GRCh37 (hg19) VCF-style: chr6-151743687-AC-A.
Other names: c.480del, p.Gln160fs (NM_001271937.2); short protein forms Q160fs, Q330fs.
Identifiers: ClinVar variation 3622504 (VCV003622504.2).